The following is an entry in ClinVar:

NM_001130987.2(DYSF):c.1149+3G>C

Gene: DYSF (dysferlin; plus strand). Cytogenetic location: 2p13.2.
Variant type: single nucleotide variant.
Coding change: c.1149+3G>C on transcript NM_001130987.2 (MANE Select); 3 bases into the intron after coding-DNA position 1149, G replaced by C.
Molecular consequence: intron variant.
Genome position (GRCh38, 1-based): chr2:71,520,907, G>C. VCF-style: chr2-71520907-G-C. GRCh37 (hg19) VCF-style: chr2-71748037-G-C.
Other names: c.1146+3G>C (NM_001130979.2, NM_001130981.2, NM_001130980.2); c.1053+3G>C (NM_001130978.2, NM_003494.4, NM_001130977.2 and 1 more transcripts); c.1149+3G>C (NM_001130982.2, NM_001130985.2); c.1056+3G>C (NM_001130983.2, NM_001130455.2, NM_001130984.2 and 1 more transcripts).
Identifiers: ClinVar variation 638642 (VCV000638642.6), dbSNP rs1573704236, ClinGen allele CA915944007.

ClinVar aggregate classification (germline): Conflicting classifications of pathogenicity. Review status: criteria provided, conflicting classifications (1 of 4 stars). 3 submissions from 3 submitters: Pathogenic (1); Likely pathogenic (1); Uncertain significance (1). Last evaluated 2025-12-15.

Conditions:
Autosomal recessive limb-girdle muscular dystrophy type 2B (LGMDR2). Also called: MUSCULAR DYSTROPHY, LIMB-GIRDLE, AUTOSOMAL RECESSIVE 2; Limb-Girdle Muscular Dystrophy Type 2B (LGMD2B); MUSCULAR DYSTROPHY, LIMB-GIRDLE, TYPE 3; Limb-girdle muscular dystrophy, type 2B. Identifiers: Orphanet 268, MedGen C1850889, MONDO:0009676, OMIM 253601.
Autosomal recessive limb-girdle muscular dystrophy. Identifiers: Orphanet 102015, MedGen C2931907, MONDO:0015152.
Miyoshi muscular dystrophy 1 (MMD1). Identifiers: Orphanet 45448, MedGen C4551973, MONDO:0024545, OMIM 254130.
Distal myopathy with anterior tibial onset. Identifiers: Orphanet 178400, MedGen C1847532, MONDO:0011721, OMIM 606768.

gnomAD v4.1: 1 of 1,613,972 alleles (0.000062%); highest among the groups gnomAD compares: South Asian, 0.0011%; no homozygotes.

Submissions (3):

Myriad Genetics, Inc.
Classification: Uncertain significance for Autosomal recessive limb-girdle muscular dystrophy. Last evaluated: 2025-12-15. Review status: criteria provided, single submitter. Criteria: Myriad Autosomal Dominant, Autosomal Recessive and X-Linked Classification Criteria (2023). Collection method: clinical testing. Allele origin: unknown.
Comment: NM_003494.3(DYSF):c.1053+3G>C is an intronic variant classified as a variant of uncertain significance in the context of dysferlinopathy. c.1053+3G>C has been observed in cases with relevant disease (PMID: 33751525, 31953240). Relevant functional assessments of this variant are not available in the literature. c.1053+3G>C has not been observed in referenced population frequency databases. In summary, there is insufficient evidence to classify NM_003494.3(DYSF):c.1053+3G>C as pathogenic or benign. Please note: this variant was assessed in the context of healthy population screening.

Fulgent Genetics
Classification: Likely pathogenic for Autosomal recessive limb-girdle muscular dystrophy type 2B; Miyoshi muscular dystrophy 1; Distal myopathy with anterior tibial onset. Last evaluated: 2024-01-17. Review status: criteria provided, single submitter. Criteria: ACMG Guidelines, 2015. Collection method: clinical testing. Allele origin: germline.

James R Lupski Laboratory, Baylor College Of Medicine
Classification: Pathogenic for Autosomal recessive limb-girdle muscular dystrophy type 2B. Last evaluated: 2019-07-01. Review status: criteria provided, single submitter. Criteria: ACMG Guidelines, 2015. Collection method: research. Allele origin: germline. Inheritance: Autosomal recessive inheritance. Affected: yes. Observed: 3 variant alleles, 3 homozygotes. Clinical features observed: EMG: myopathic abnormalities (HP:0003458).

Literature cited by the submitters: PubMed 31953240 (cited by Myriad Genetics, Inc.); PubMed 33751525 (cited by Myriad Genetics, Inc.).